The following is an entry in ClinVar:

NM_000392.5(ABCC2):c.1007C>T (p.Thr336Met)

Gene: ABCC2 (ATP binding cassette subfamily C member 2; plus strand). Cytogenetic location: 10q24.2.
Variant type: single nucleotide variant.
Coding change: c.1007C>T on transcript NM_000392.5 (MANE Select); coding-DNA position 1007, C replaced by T.
Protein change: p.Thr336Met; replaces threonine 336 with methionine.
Molecular consequence: missense variant.
Genome position (GRCh38, 1-based): chr10:99,799,346, C>T. VCF-style: chr10-99799346-C-T. GRCh37 (hg19) VCF-style: chr10-101559103-C-T.
Other names: c.1007C>T (NM_000392.4); c.1007C>T, p.Thr336Met (LRG_1208t1); short protein forms T336M.
Identifiers: ClinVar variation 287495 (VCV000287495.19), dbSNP rs149854486, ClinGen allele CA5643042.

ClinVar aggregate classification (germline): Conflicting classifications of pathogenicity. Review status: criteria provided, conflicting classifications (1 of 4 stars). 4 submissions from 4 submitters: Uncertain significance (3); Likely benign (1). Last evaluated 2026-05-14.

Conditions:
ABCC2-related disorder. Also called: ABCC2-related condition.
Dubin-Johnson syndrome (DJS). Also called: HYPERBILIRUBINEMIA, DUBIN-JOHNSON TYPE; Jaundice, Chronic Idiopathic; Hyperbilirubinemia type 2. Identifiers: Orphanet 234, MedGen C0022350, MONDO:0009380, OMIM 237500.

Allele frequency attached by ClinVar (database versions not stated): ESP Exome Variant Server 0.00023; 1000 Genomes Project 30x 0.00031; gnomAD 0.00038 and 0.00039; 1000 Genomes Project 0.00040; TOPMed 0.00045.
gnomAD v4.1: 751 of 1,614,172 alleles (0.047%); highest among the groups gnomAD compares: Non-Finnish European, 0.054%; no homozygotes.

Submissions (4):

PreventionGenetics, part of Exact Sciences
Classification: Uncertain significance for ABCC2-related condition. Last evaluated: 2026-05-14. Review status: criteria provided, single submitter. Criteria: ACMG Guidelines, 2015. Collection method: clinical testing. Allele origin: germline.
Comment: The ABCC2 c.1007C>T variant is predicted to result in the amino acid substitution p.Thr336Met. To our knowledge, this variant has not been reported in the literature. This variant is reported in 0.14% of alleles in individuals of Ashkenazi Jewish descent in gnomAD which may be too frequent for an unreported disease-causing variant. Although we suspect that this variant may be benign, at this time, the clinical significance of this variant is uncertain due to the absence of conclusive functional and genetic evidence.

Labcorp Genetics (formerly Invitae), Labcorp
Classification: Likely benign. Last evaluated: 2026-02-02. Review status: criteria provided, single submitter. Criteria: Invitae Variant Classification Sherloc (09022015). Collection method: clinical testing. Allele origin: germline.

Eurofins Ntd Llc (ga)
Classification: Uncertain significance. Last evaluated: 2018-09-07. Review status: criteria provided, single submitter. Criteria: EGL ClinVar v180209 classification definitions. Collection method: clinical testing. Allele origin: germline. Observed: 3 variant alleles, 3 heterozygotes.

Illumina Laboratory Services, Illumina
Classification: Uncertain significance for Dubin-Johnson syndrome. Last evaluated: 2017-04-27. Review status: criteria provided, single submitter. Criteria: ICSL Variant Classification Criteria 13 December 2019. Collection method: clinical testing. Allele origin: germline.